The following is an entry in ClinVar:

ClinVar aggregate classification (germline): Pathogenic (1 of 4 stars; one submission).

Conditions:
Neurofibromatosis, type 1 (NF1). Also called: NEUROFIBROMATOSIS, TYPE I, SOMATIC; Peripheral type neurofibromatosis; Neurofibromatosis, type I; VON RECKLINGHAUSEN DISEASE. Identifiers: Orphanet 636, MedGen C0027831, MONDO:0018975, OMIM 162200. Disease mechanism: loss of function.

Submission:

Labcorp Genetics (formerly Invitae), Labcorp
Classification: Pathogenic for Neurofibromatosis, type 1. Last evaluated: 2024-12-20. Review status: criteria provided, single submitter. Criteria: Invitae Variant Classification Sherloc (09022015). Collection method: clinical testing. Allele origin: germline.
Comment: This sequence change creates a premature translational stop signal (p.Ala2312Serfs*7) in the NF1 gene. It is expected to result in an absent or disrupted protein product. Loss-of-function variants in NF1 are known to be pathogenic (PMID: 10712197, 23913538). This variant is not present in population databases (gnomAD no frequency). This variant has not been reported in the literature in individuals affected with NF1-related conditions. For these reasons, this variant has been classified as Pathogenic.

Literature cited by the submitters: PubMed 10712197; PubMed 23913538.

NM_001042492.3(NF1):c.6995dup (p.Ala2333fs)

Gene: NF1 (neurofibromin 1; plus strand). Cytogenetic location: 17q11.2.
Variant type: Duplication.
Coding change: c.6995dup on transcript NM_001042492.3 (MANE Select); coding-DNA position 6995, one base duplicated (C; older notation c.6995dupC).
Protein change: p.Ala2333fs; shifts the reading frame from alanine 2333.
Molecular consequence: frameshift variant.
Genome position (GRCh38, 1-based): chr17:31,340,578, C duplicated. VCF-style (leftmost placement, unchanged base first): chr17-31340577-T-TC. GRCh37 (hg19) VCF-style: chr17-29667595-T-TC.
Other names: c.6932dup, p.Ala2312Serfs (NM_000267.4); short protein forms A2312fs, A2333fs.
Identifiers: ClinVar variation 3727681 (VCV003727681.2).